The following is an entry in ClinVar:

NM_003242.6(TGFBR2):c.1459A>G (p.Met487Val)

Gene: TGFBR2 (transforming growth factor beta receptor 2; plus strand). Cytogenetic location: 3p24.1.
Variant type: single nucleotide variant.
Coding change: c.1459A>G on transcript NM_003242.6 (MANE Select); coding-DNA position 1459, A replaced by G.
Protein change: p.Met487Val; replaces methionine 487 with valine.
Molecular consequence: missense variant.
Genome position (GRCh38, 1-based): chr3:30,688,446, A>G. VCF-style: chr3-30688446-A-G. GRCh37 (hg19) VCF-style: chr3-30729938-A-G.
Other names: c.1459A>G (NM_003242.5); c.1534A>G, p.Met512Val (NM_001024847.3); c.1642A>G, p.Met548Val (NM_001407126.1); c.1567A>G, p.Met523Val (NM_001407127.1); c.1486A>G, p.Met496Val (NM_001407128.1); c.1462A>G, p.Met488Val (NM_001407129.1); c.1456A>G, p.Met486Val (NM_001407130.1); c.1354A>G, p.Met452Val (NM_001407132.1, NM_001407133.1, NM_001407134.1 and 2 more transcripts); and 3 more; short protein forms M197V, M452V, M487V, M548V, M392V, M496V, M523V, M367V.
Identifiers: ClinVar variation 2879217 (VCV002879217.5), dbSNP rs767120937, ClinGen allele CA046645.

ClinVar aggregate classification (germline): Uncertain significance. Review status: criteria provided, multiple submitters, no conflicts (2 of 4 stars). 3 submissions from 3 submitters: Uncertain significance (3). Last evaluated 2025-08-23.

Conditions:
Familial thoracic aortic aneurysm and aortic dissection (TAAD). Also called: Thoracic aortic aneurysms and dissections. Identifiers: Orphanet 91387, MedGen C4707243, MONDO:0019625.

Allele frequency attached by ClinVar (database versions not stated): ExAC 0.00001.
gnomAD v4.1: 2 of 1,614,224 alleles (0.00012%); highest among the groups gnomAD compares: Admixed American, 0.0017%; no homozygotes.

Submissions (3):

Ambry Genetics
Classification: Uncertain significance for Familial thoracic aortic aneurysm and aortic dissection. Last evaluated: 2025-08-23. Review status: criteria provided, single submitter. Criteria: Ambry Variant Classification Scheme 2023. Collection method: clinical testing. Allele origin: germline.

Color Diagnostics, LLC DBA Color Health
Classification: Uncertain significance for Familial thoracic aortic aneurysm and aortic dissection. Last evaluated: 2025-07-08. Review status: criteria provided, single submitter. Criteria: ACMG Guidelines, 2015. Collection method: clinical testing. Allele origin: germline.
Comment: This missense variant replaces methionine with valine at codon 487 of the TGFBR2 protein. Computational prediction suggests that this variant may have deleterious impact on protein structure and function. To our knowledge, functional studies have not been reported for this variant. This variant has not been reported in individuals affected with TGFBR2-related disorders in the literature. This variant has been identified in 1/251186 chromosomes in the general population by the Genome Aggregation Database (gnomAD). The available evidence is insufficient to determine the role of this variant in disease conclusively. Therefore, this variant is classified as a Variant of Uncertain Significance.

Labcorp Genetics (formerly Invitae), Labcorp
Classification: Uncertain significance for Familial thoracic aortic aneurysm and aortic dissection. Last evaluated: 2023-01-27. Review status: criteria provided, single submitter. Criteria: Invitae Variant Classification Sherloc (09022015). Collection method: clinical testing. Allele origin: germline.
Comment: In summary, the available evidence is currently insufficient to determine the role of this variant in disease. Therefore, it has been classified as a Variant of Uncertain Significance. Advanced modeling of protein sequence and biophysical properties (such as structural, functional, and spatial information, amino acid conservation, physicochemical variation, residue mobility, and thermodynamic stability) performed at Invitae indicates that this missense variant is expected to disrupt TGFBR2 protein function. This variant has not been reported in the literature in individuals affected with TGFBR2-related conditions. This variant is present in population databases (rs767120937, gnomAD 0.003%). This sequence change replaces methionine, which is neutral and non-polar, with valine, which is neutral and non-polar, at codon 487 of the TGFBR2 protein (p.Met487Val).